The following is an entry in ClinVar:

NM_001094.5(ASIC2):c.146T>C (p.Phe49Ser)

Genes: ASIC2 (acid sensing ion channel subunit 2; minus strand), LOC105371735 (uncharacterized LOC105371735; plus strand). Cytogenetic location: 17q12.
Variant type: single nucleotide variant.
Coding change: c.146T>C on transcript NM_001094.5; coding-DNA position 146, T replaced by C.
Protein change: p.Phe49Ser; replaces phenylalanine 49 with serine.
Molecular consequence: missense variant. On other transcripts: non-coding transcript variant (1).
Genome position (GRCh38, 1-based): chr17:34,156,387, A>G on the plus strand (T>C on the coding strand, the complement: ASIC2 is on the minus strand). VCF-style: chr17-34156387-A-G. GRCh37 (hg19) VCF-style: chr17-32483406-A-G.
Other names: short protein forms F49S.
Identifiers: ClinVar variation 3952740 (VCV003952740.1).
Genomic context (GRCh38, chr17:34,156,387, plus strand): 5'-GAGAAGTAGTAGGACACCCTCTCAGAGCTCTCCACCAGCAGCAGGCCCAGAGAGCCCACG[A>G]AGGCCACTGCCCACAGCACACGCCGGATGGTCAGCGGCCCATACACGAAGATGTGGCGGA-3'

ClinVar aggregate classification (germline): Uncertain significance (1 of 4 stars; one submission).

Submission:

Ambry Genetics
Classification: Uncertain significance. Last evaluated: 2025-04-28. Review status: criteria provided, single submitter. Criteria: Ambry Variant Classification Scheme 2023. Collection method: clinical testing. Allele origin: germline.
Comment: The c.146T>C (p.F49S) alteration is located in exon (coding exon ) of the ASIC2 gene. This alteration results from a T to C substitution at nucleotide position 146, causing the phenylalanine (F) at amino acid position 49 to be replaced by a serine (S). Based on insufficient or conflicting evidence, the clinical significance of this alteration remains unclear.